The following is an entry in ClinVar:

NM_006904.7(PRKDC):c.9083A>G (p.Asn3028Ser)

Gene: PRKDC (protein kinase, DNA-activated, catalytic subunit; minus strand). Cytogenetic location: 8q11.21.
Variant type: single nucleotide variant.
Coding change: c.9083A>G on transcript NM_006904.7 (MANE Select); coding-DNA position 9083, A replaced by G.
Protein change: p.Asn3028Ser; replaces asparagine 3028 with serine.
Molecular consequence: missense variant.
Genome position (GRCh38, 1-based): chr8:47,821,632, T>C on the plus strand (A>G on the coding strand, the complement: PRKDC is on the minus strand). VCF-style: chr8-47821632-T-C. GRCh37 (hg19) VCF-style: chr8-48734193-T-C.
Other names: c.9083A>G, p.Asn3028Ser (NM_001081640.2); short protein forms N3028S.
Identifiers: ClinVar variation 2997497 (VCV002997497.1), dbSNP rs747735481, ClinGen allele CA4739678.

ClinVar aggregate classification (germline): Uncertain significance (1 of 4 stars; one submission).

Conditions:
Severe combined immunodeficiency due to DNA-PKcs deficiency. Also called: IMMUNODEFICIENCY 26 WITH NEUROLOGIC ABNORMALITIES; Immunodeficiency 26 with or without neurologic abnormalities. Identifiers: Orphanet 317425, MedGen C4014833, MONDO:0014423, OMIM 615966.

Allele frequency attached by ClinVar (database versions not stated): gnomAD exomes below 0.00001; TOPMed below 0.00001; gnomAD 0.00001; ExAC 0.00002.
gnomAD v4.1: 3 of 1,601,014 alleles (0.00019%); highest among the groups gnomAD compares: Admixed American, 0.0017%; no homozygotes.

Submission:

Labcorp Genetics (formerly Invitae), Labcorp
Classification: Uncertain significance for Severe combined immunodeficiency due to DNA-PKcs deficiency. Last evaluated: 2023-12-28. Review status: criteria provided, single submitter. Criteria: Invitae Variant Classification Sherloc (09022015). Collection method: clinical testing. Allele origin: germline.
Comment: This sequence change replaces asparagine, which is neutral and polar, with serine, which is neutral and polar, at codon 3028 of the PRKDC protein (p.Asn3028Ser). The frequency data for this variant in the population databases is considered unreliable, as metrics indicate poor data quality at this position in the gnomAD database. This variant has not been reported in the literature in individuals affected with PRKDC-related conditions. Advanced modeling of protein sequence and biophysical properties (such as structural, functional, and spatial information, amino acid conservation, physicochemical variation, residue mobility, and thermodynamic stability) performed at Invitae indicates that this missense variant is not expected to disrupt PRKDC protein function with a negative predictive value of 80%. In summary, the available evidence is currently insufficient to determine the role of this variant in disease. Therefore, it has been classified as a Variant of Uncertain Significance.